The following is an entry in ClinVar:

NM_001267550.2(TTN):c.80903T>C (p.Ile26968Thr)

Genes: TTN (titin; minus strand), TTN-AS1 (TTN antisense RNA 1; plus strand). Cytogenetic location: 2q31.2.
Variant type: single nucleotide variant.
Coding change: c.80903T>C on transcript NM_001267550.2 (MANE Select); coding-DNA position 80903, T replaced by C.
Protein change: p.Ile26968Thr; replaces isoleucine 26968 with threonine.
Molecular consequence: missense variant.
Genome position (GRCh38, 1-based): chr2:178,565,229, A>G on the plus strand (T>C on the coding strand, the complement: TTN is on the minus strand). VCF-style: chr2-178565229-A-G. GRCh37 (hg19) VCF-style: chr2-179429956-A-G.
Other names: c.75980T>C, p.Ile25327Thr (NM_001256850.1); c.53708T>C, p.Ile17903Thr (NM_003319.4); c.73199T>C, p.Ile24400Thr (NM_133378.4); c.54083T>C, p.Ile18028Thr (NM_133432.3); c.54284T>C, p.Ile18095Thr (NM_133437.4); short protein forms I17903T, I18028T, I18095T, I24400T, I25327T, I26968T.
Identifiers: ClinVar variation 1879000 (VCV001879000.3), dbSNP rs369539943, ClinGen allele CA1989282.

ClinVar aggregate classification (germline): Conflicting classifications of pathogenicity. Review status: criteria provided, conflicting classifications (1 of 4 stars). 3 submissions from 3 submitters: Uncertain significance (2); Likely benign (1). Last evaluated 2022-11-04.

Conditions:
TTN-related disorder. Also called: TTN-related condition; TTN-related disease; TTN-related disorders.

Allele frequency attached by ClinVar (database versions not stated): ExAC 0.00001; gnomAD 0.00001; TOPMed 0.00002; ESP Exome Variant Server 0.00008.
gnomAD v4.1: 8 of 1,613,460 alleles (0.0005%); highest among the groups gnomAD compares: East Asian, 0.0022%; no homozygotes.

Submissions (3):

PreventionGenetics, part of Exact Sciences
Classification: Uncertain significance for TTN-related condition. Last evaluated: 2022-11-04. Review status: criteria provided, single submitter. Criteria: ACMG Guidelines, 2015. Collection method: clinical testing. Allele origin: germline.
Comment: The TTN c.80903T>C variant is predicted to result in the amino acid substitution p.Ile26968Thr. To our knowledge, this variant has not been reported in the literature. This variant is reported in 0.0018% of alleles in individuals of European (Non-Finnish) descent in gnomAD. At this time, the clinical significance of this variant is uncertain due to the absence of conclusive functional and genetic evidence.

GeneDx
Classification: Uncertain significance. Last evaluated: 2022-07-13. Review status: criteria provided, single submitter. Criteria: GeneDx Variant Classification Process June 2021. Collection method: clinical testing. Allele origin: germline. Affected: yes.
Comment: Not observed at significant frequency in large population cohorts (gnomAD); Missense variant in a gene in which most reported pathogenic variants are truncating/loss of function; Has not been previously published as pathogenic or benign to our knowledge; This variant is associated with the following publications: (PMID: 23975875)

Blueprint Genetics
Classification: Likely benign. Last evaluated: 2021-05-13. Review status: criteria provided, single submitter. Criteria: ACMG Guidelines, 2015. Collection method: clinical testing. Allele origin: germline.